The following is an entry in ClinVar:

NM_003002.4(SDHD):c.53-52_53-49del

Gene: SDHD (succinate dehydrogenase complex subunit D; plus strand). Cytogenetic location: 11q23.1.
Variant type: Deletion.
Coding change: c.53-52_53-49del on transcript NM_003002.4 (MANE Select); 52 bases into the intron before coding-DNA position 53 through 49 bases into the intron before coding-DNA position 53, 4 bases deleted (AGTC; older notation c.53-52_53-49delAGTC).
Molecular consequence: intron variant.
Genome position (GRCh38, 1-based): chr11:112,087,805-112,087,808, AGTC deleted; deleting any 4 consecutive bases within chr11:112,087,802-112,087,808 gives the same sequence; the c. name uses the placement nearest the transcript's 3' end. VCF-style (leftmost placement, unchanged base first): chr11-112087801-TGTCA-T. GRCh37 (hg19) VCF-style: chr11-111958525-TGTCA-T.
Other names: c.53-52_53-49delAGTC (NM_003002.2, NM_003002.3); c.53-52_53-49del (NM_001276506.2, NM_001276503.2); c.52+846_52+849del (NM_001276504.2).
Identifiers: ClinVar variation 506417 (VCV000506417.20), dbSNP rs562618773, ClinGen allele CA228550922.

ClinVar aggregate classification (germline): Benign/Likely benign. Review status: criteria provided, multiple submitters, no conflicts (2 of 4 stars). 6 submissions from 6 submitters: Benign (2); Likely benign (3). 1 of the submissions does not count toward it. Last evaluated 2026-09-01.

Conditions:
Pheochromocytoma. Also called: MAX-Related Hereditary Paraganglioma-Pheochromocytoma Syndrome. Identifiers: Orphanet 29072, MedGen C0031511, MONDO:0008233, OMIM 171300, HP:0002666.
Cowden syndrome 3 (CWS3). Identifiers: Orphanet 201, MedGen CN166604, MONDO:0014045.
Paragangliomas with sensorineural hearing loss. Identifiers: MedGen C1868633.
Carney-Stratakis syndrome. Also called: PARAGANGLIOMA AND GASTROINTESTINAL STROMAL TUMOR. Identifiers: Orphanet 97286, MedGen C1847319, MONDO:0011740, OMIM 606864.
SDHD-related disorder. Also called: SDHD-related condition.
Hereditary cancer-predisposing syndrome. Also called: Hereditary Cancer Syndrome; Neoplastic Syndromes, Hereditary; Hereditary neoplastic syndrome; Tumor predisposition. Identifiers: Orphanet 140162, MedGen C0027672, MeSH D009386, MONDO:0015356.

Submissions (6):

CeGaT Center for Human Genetics Tuebingen
Classification: Likely benign. Last evaluated: 2026-09-01. Review status: criteria provided, single submitter. Criteria: CeGaT Center For Human Genetics Tuebingen Variant Classification Criteria Version 2. Collection method: clinical testing. Allele origin: germline. Affected: yes. Observed: 3 variant alleles.
Comment: SDHD: BS1

Labcorp Genetics (formerly Invitae), Labcorp
Classification: Benign for Carney-Stratakis syndrome; Paragangliomas with sensorineural hearing loss; Pheochromocytoma; Cowden syndrome 3. Last evaluated: 2025-05-27. Review status: criteria provided, single submitter. Criteria: Invitae Variant Classification Sherloc (09022015). Collection method: clinical testing. Allele origin: germline.

Ambry Genetics
Classification: Likely benign for Hereditary cancer-predisposing syndrome. Last evaluated: 2021-06-17. Review status: criteria provided, single submitter. Criteria: Ambry Variant Classification Scheme 2023. Collection method: clinical testing. Allele origin: germline.

Sema4
Classification: Benign for Hereditary cancer-predisposing syndrome. Last evaluated: 2020-11-12. Review status: criteria provided, single submitter. Criteria: Sema4 Curation Guidelines. Collection method: curation. Allele origin: germline.

GeneDx
Classification: Likely benign. Last evaluated: 2018-02-01. Review status: criteria provided, single submitter. Criteria: GeneDx Variant Classification (06012015). Collection method: clinical testing. Allele origin: germline. Affected: yes.
Comment: This variant is considered likely benign or benign based on one or more of the following criteria: it is a conservative change, it occurs at a poorly conserved position in the protein, it is predicted to be benign by multiple in silico algorithms, and/or has population frequency not consistent with disease.

PreventionGenetics, part of Exact Sciences
Classification: Benign for SDHD-related condition. Last evaluated: 2019-03-08. Review status: no assertion criteria provided. Collection method: clinical testing. Allele origin: germline. Not counted in ClinVar's aggregate classification.
Comment: This variant is classified as benign based on ACMG/AMP sequence variant interpretation guidelines (Richards et al. 2015 PMID: 25741868, with internal and published modifications).